The following is an entry in ClinVar:

ClinVar aggregate classification (germline): Likely benign. Review status: criteria provided, multiple submitters, no conflicts (2 of 4 stars). 2 submissions from 2 submitters: Likely benign (2). Last evaluated 2025-06-01.

Conditions:
Inborn genetic diseases. Identifiers: MedGen C0950123, MeSH D030342.

gnomAD v4.1: 25 of 1,614,088 alleles (0.0015%); highest among the groups gnomAD compares: East Asian, 0.018%; no homozygotes.

Submissions (2):

CeGaT Center for Human Genetics Tuebingen
Classification: Likely benign. Last evaluated: 2025-06-01. Review status: criteria provided, single submitter. Criteria: CeGaT Center For Human Genetics Tuebingen Variant Classification Criteria Version 2. Collection method: clinical testing. Allele origin: germline. Affected: yes. Observed: 1 variant allele.
Comment: GRIA1: BP4

Ambry Genetics
Classification: Likely benign for Inborn genetic diseases. Last evaluated: 2025-03-28. Review status: criteria provided, single submitter. Criteria: Ambry Variant Classification Scheme 2023. Collection method: clinical testing. Allele origin: germline.

NM_000827.4(GRIA1):c.180T>C (p.Asp60=)

Gene: GRIA1 (glutamate ionotropic receptor AMPA type subunit 1; plus strand). Cytogenetic location: 5q33.2.
Variant type: single nucleotide variant.
Coding change: c.180T>C on transcript NM_000827.4 (MANE Select); coding-DNA position 180, T replaced by C.
Protein change: p.Asp60=; no amino-acid change (aspartic acid 60 retained).
Molecular consequence: synonymous variant. On other transcripts: non-coding transcript variant (1), 5 prime UTR variant (3).
Genome position (GRCh38, 1-based): chr5:153,494,025, T>C. VCF-style: chr5-153494025-T-C. GRCh37 (hg19) VCF-style: chr5-152873585-T-C.
Other names: c.180T>C, p.Asp60= (NM_001114183.2, NM_001258019.2, NM_001364165.2); c.-163T>C (NM_001258020.2); c.210T>C, p.Asp70= (NM_001258021.2, NM_001258022.2); c.-28T>C (NM_001258023.1, NM_001364167.2); c.207T>C, p.Asp69= (NM_001364166.2).
Identifiers: ClinVar variation 4032248 (VCV004032248.9).
Genomic context (GRCh38, chr5:153,494,025, plus strand): 5'-TGCTTTTAGATTTGCTTTGTCGCAACTCACAGAGCCCCCGAAGCTGCTCCCCCAGATTGA[T>C]ATTGTGAACATCAGCGACAGCTTTGAGATGACCTATAGATGTAAGTAATTGCTTCTATTT-3'
Protein context (NP_000818.2, residues 50-70): TEPPKLLPQI[Asp60=]IVNISDSFEM